The following is an entry in ClinVar:

NM_005142.3(CBLIF):c.446C>A (p.Ala149Glu)

Gene: CBLIF (cobalamin binding intrinsic factor; minus strand). Cytogenetic location: 11q12.1.
Variant type: single nucleotide variant.
Coding change: c.446C>A on transcript NM_005142.3 (MANE Select); coding-DNA position 446, C replaced by A.
Protein change: p.Ala149Glu; replaces alanine 149 with glutamic acid.
Molecular consequence: missense variant.
Genome position (GRCh38, 1-based): chr11:59,842,508, G>T on the plus strand (C>A on the coding strand, the complement: CBLIF is on the minus strand). VCF-style: chr11-59842508-G-T. GRCh37 (hg19) VCF-style: chr11-59609981-G-T.
Other names: short protein forms A149E.
Identifiers: ClinVar variation 1038547 (VCV001038547.5), dbSNP rs781509423, ClinGen allele CA223243743.

ClinVar aggregate classification (germline): Uncertain significance (1 of 4 stars; one submission).

Conditions:
Hereditary intrinsic factor deficiency (IFD). Also called: PERNICIOUS ANEMIA, CONGENITAL, DUE TO DEFECT OF INTRINSIC FACTOR; Congenital intrinsic factor deficiency. Identifiers: Orphanet 332, MedGen C2062370, MONDO:0009852, OMIM 261000.

Allele frequency attached by ClinVar (database versions not stated): gnomAD 0.00001; TOPMed 0.00002.
gnomAD v4.1: 29 of 1,613,742 alleles (0.0018%); highest among the groups gnomAD compares: Non-Finnish European, 0.0023%; no homozygotes.

Submission:

Labcorp Genetics (formerly Invitae), Labcorp
Classification: Uncertain significance for Hereditary intrinsic factor deficiency. Last evaluated: 2021-04-16. Review status: criteria provided, single submitter. Criteria: Invitae Variant Classification Sherloc (09022015). Collection method: clinical testing. Allele origin: germline.
Comment: This variant has not been reported in the literature in individuals with GIF-related conditions. This sequence change replaces alanine with glutamic acid at codon 149 of the GIF protein (p.Ala149Glu). The alanine residue is weakly conserved and there is a moderate physicochemical difference between alanine and glutamic acid. This variant is not present in population databases (ExAC no frequency). Algorithms developed to predict the effect of missense changes on protein structure and function (SIFT, PolyPhen-2, Align-GVGD) all suggest that this variant is likely to be tolerated, but these predictions have not been confirmed by published functional studies and their clinical significance is uncertain. In summary, the available evidence is currently insufficient to determine the role of this variant in disease. Therefore, it has been classified as a Variant of Uncertain Significance.